The following is an entry in ClinVar:

ClinVar aggregate classification (germline): Uncertain significance. Review status: criteria provided, multiple submitters, no conflicts (2 of 4 stars). 2 submissions from 2 submitters: Uncertain significance (2). Last evaluated 2025-05-25.

Conditions:
Brugada syndrome. Also called: Sudden unexpected nocturnal death syndrome; Sudden Unexplained Death Syndrome; Sudden Unexplained Nocturnal Death Syndrome (SUNDS); Sudden unexplained nocturnal death syndrome. Identifiers: Orphanet 130, MedGen C1142166, MONDO:0015263.
Cardiovascular phenotype. Identifiers: MedGen CN230736.

gnomAD v4.1: 36 of 1,613,618 alleles (0.0022%); highest among the groups gnomAD compares: Middle Eastern, 0.035%; no homozygotes.

Submissions (2):

Ambry Genetics
Classification: Uncertain significance for Cardiovascular phenotype. Last evaluated: 2025-05-25. Review status: criteria provided, single submitter. Criteria: Ambry Variant Classification Scheme 2023. Collection method: clinical testing. Allele origin: germline.
Comment: The p.R1263* variant (also known as c.3787C>T), located in coding exon 21 of the SCN10A gene, results from a C to T substitution at nucleotide position 3787. This changes the amino acid from an arginine to a stop codon within coding exon 21. This alteration is expected to result in protein truncation or nonsense-mediated mRNA decay. However, loss of function of SCN10A has not been established as a mechanism of disease. The evidence for this gene-disease relationship is limited; therefore, the clinical significance of this alteration is unclear.

Labcorp Genetics (formerly Invitae), Labcorp
Classification: Uncertain significance for Brugada syndrome. Last evaluated: 2024-07-22. Review status: criteria provided, single submitter. Criteria: Invitae Variant Classification Sherloc (09022015). Collection method: clinical testing. Allele origin: germline.
Comment: This sequence change creates a premature translational stop signal (p.Arg1263*) in the SCN10A gene. It is expected to result in an absent or disrupted protein product. However, the current clinical and genetic evidence is not sufficient to establish whether loss-of-function variants in SCN10A cause disease. This variant is not present in population databases (gnomAD no frequency). This premature translational stop signal has been observed in individual(s) with clinical features of SCN10A-related conditions (PMID: 27272739, 31977013). Algorithms developed to predict the effect of variants on gene product structure and function are not available or were not evaluated for this variant. Experimental studies have shown that this premature translational stop signal affects SCN10A function (PMID: 31977013). In summary, the available evidence is currently insufficient to determine the role of this variant in disease. Therefore, it has been classified as a Variant of Uncertain Significance.

Literature cited by the submitters: PubMed 27272739 (cited by Labcorp Genetics (formerly Invitae), Labcorp); PubMed 31977013 (cited by Labcorp Genetics (formerly Invitae), Labcorp).

NM_006514.4(SCN10A):c.3787C>T (p.Arg1263Ter)

Gene: SCN10A (sodium voltage-gated channel alpha subunit 10; minus strand). Cytogenetic location: 3p22.2.
Variant type: single nucleotide variant.
Coding change: c.3787C>T on transcript NM_006514.4 (MANE Select); coding-DNA position 3787, C replaced by T.
Protein change: p.Arg1263Ter; replaces arginine 1263 with a stop codon.
Molecular consequence: nonsense.
Genome position (GRCh38, 1-based): chr3:38,713,975, G>A on the plus strand (C>T on the coding strand, the complement: SCN10A is on the minus strand). VCF-style: chr3-38713975-G-A. GRCh37 (hg19) VCF-style: chr3-38755466-G-A.
Other names: c.3787C>T (NM_006514.2); c.3784C>T, p.Arg1262Ter (NM_001293306.2); c.3493C>T, p.Arg1165Ter (NM_001293307.2); short protein forms R1165*, R1262*, R1263*.
Identifiers: ClinVar variation 3702522 (VCV003702522.3).